The following is an entry in ClinVar:

ClinVar aggregate classification (germline): Uncertain significance. Review status: criteria provided, multiple submitters, no conflicts (2 of 4 stars). 2 submissions from 2 submitters: Uncertain significance (2). Last evaluated 2026-07-06.

Conditions:
Deafness-lymphedema-leukemia syndrome. Also called: Emberger syndrome; Lymphedema, primary, with myelodysplasia. Identifiers: Orphanet 3226, MedGen C3279664, MONDO:0013540, OMIM 614038.
Monocytopenia with susceptibility to infections. Also called: MONOCYTOPENIA AND MYCOBACTERIAL INFECTION SYNDROME; MONOCYTOPENIA WITH SUSCEPTIBILITY TO MYCOBACTERIAL, FUNGAL, AND PAPILLOMAVIRUS INFECTIONS AND MYELODYSPLASIA; COMBINED IMMUNODEFICIENCY WITH SUSCEPTIBILITY TO MYCOBACTERIAL, VIRAL, AND FUNGAL INFECTIONS; Dendritic cell, monocyte, B lymphocyte, and natural killer lymphocyte deficiency; GATA2 DEFICIENCY; IMMUNODEFICIENCY 21. Identifiers: Orphanet 228423, MedGen C3280030, MONDO:0013607, OMIM 614172.
Inborn genetic diseases. Identifiers: MedGen C0950123, MeSH D030342.

Submissions (2):

Ambry Genetics
Classification: Uncertain significance for Inborn genetic diseases. Last evaluated: 2026-07-06. Review status: criteria provided, single submitter. Criteria: Ambry Variant Classification Scheme 2023. Collection method: clinical testing. Allele origin: germline.
Comment: The p.L465P variant (also known as c.1394T>C), located in coding exon 5 of the GATA2 gene, results from a T to C substitution at nucleotide position 1394. The leucine at codon 465 is replaced by proline, an amino acid with similar properties. This amino acid position is conserved. In addition, the in silico prediction for this alteration is inconclusive. Based on the available evidence, the clinical significance of this variant remains unclear.

Labcorp Genetics (formerly Invitae), Labcorp
Classification: Uncertain significance for Monocytopenia with susceptibility to infections; Deafness-lymphedema-leukemia syndrome. Last evaluated: 2023-04-06. Review status: criteria provided, single submitter. Criteria: Invitae Variant Classification Sherloc (09022015). Collection method: clinical testing. Allele origin: germline.
Comment: In summary, the available evidence is currently insufficient to determine the role of this variant in disease. Therefore, it has been classified as a Variant of Uncertain Significance. This sequence change replaces leucine, which is neutral and non-polar, with proline, which is neutral and non-polar, at codon 465 of the GATA2 protein (p.Leu465Pro). This variant is not present in population databases (gnomAD no frequency). This variant has not been reported in the literature in individuals affected with GATA2-related conditions. Advanced modeling of protein sequence and biophysical properties (such as structural, functional, and spatial information, amino acid conservation, physicochemical variation, residue mobility, and thermodynamic stability) performed at Invitae indicates that this missense variant is expected to disrupt GATA2 protein function.

NM_032638.5(GATA2):c.1394T>C (p.Leu465Pro)

Gene: GATA2 (GATA binding protein 2; minus strand). Cytogenetic location: 3q21.3.
Variant type: single nucleotide variant.
Coding change: c.1394T>C on transcript NM_032638.5 (MANE Select); coding-DNA position 1394, T replaced by C.
Protein change: p.Leu465Pro; replaces leucine 465 with proline.
Molecular consequence: missense variant.
Genome position (GRCh38, 1-based): chr3:128,481,068, A>G on the plus strand (T>C on the coding strand, the complement: GATA2 is on the minus strand). VCF-style: chr3-128481068-A-G. GRCh37 (hg19) VCF-style: chr3-128199911-A-G.
Other names: c.1394T>C, p.Leu465Pro (NM_001145661.2); c.1352T>C, p.Leu451Pro (NM_001145662.1); short protein forms L451P, L465P.
Identifiers: ClinVar variation 2946172 (VCV002946172.4), dbSNP rs1559984558, ClinGen allele CA354412525.